The following is an entry in ClinVar:

NM_032977.4(CASP10):c.606C>T (p.Asp202=)

Gene: CASP10 (caspase 10; plus strand). Cytogenetic location: 2q33.1.
Variant type: single nucleotide variant.
Coding change: c.606C>T on transcript NM_032977.4 (MANE Select); coding-DNA position 606, C replaced by T.
Protein change: p.Asp202=; no amino-acid change (aspartic acid 202 retained).
Molecular consequence: synonymous variant.
Genome position (GRCh38, 1-based): chr2:201,195,870, C>T. VCF-style: chr2-201195870-C-T. GRCh37 (hg19) VCF-style: chr2-202060593-C-T.
Other names: c.606C>T, p.Asp202= (NM_001206524.2, NM_001206542.2, NM_001230.5 and 3 more transcripts).
Identifiers: ClinVar variation 3048244 (VCV003048244.2), dbSNP rs748679960, ClinGen allele CA2052926.

ClinVar aggregate classification (germline): Likely benign (0 of 4 stars; one submission).

Conditions:
CASP10-related disorder. Also called: CASP10-related condition.

Allele frequency attached by ClinVar (database versions not stated): gnomAD 0.00003; gnomAD exomes 0.00006; ExAC 0.00013.
gnomAD v4.1: 88 of 1,613,688 alleles (0.0055%); highest among the groups gnomAD compares: South Asian, 0.094%; 3 homozygotes.

Submission:

PreventionGenetics, part of Exact Sciences
Classification: Likely benign for CASP10-related condition. Last evaluated: 2023-02-08. Review status: no assertion criteria provided. Collection method: clinical testing. Allele origin: germline.
Comment: This variant is classified as likely benign based on ACMG/AMP sequence variant interpretation guidelines (Richards et al. 2015 PMID: 25741868, with internal and published modifications).